The following is an entry in ClinVar:

ClinVar aggregate classification (germline): Pathogenic/Likely pathogenic. Review status: criteria provided, multiple submitters, no conflicts (2 of 4 stars). 2 submissions from 2 submitters: Pathogenic (1); Likely pathogenic (1). Last evaluated 2025-08-11.

Conditions:
Congenital microcephaly - severe encephalopathy - progressive cerebral atrophy syndrome. Also called: ASNS DEFICIENCY; Asparagine synthetase deficiency. Identifiers: Orphanet 391376, MedGen C3809971, MONDO:0014258, OMIM 615574.

Submissions (2):

Myriad Genetics, Inc.
Classification: Pathogenic for Congenital microcephaly - severe encephalopathy - progressive cerebral atrophy syndrome. Last evaluated: 2025-08-11. Review status: criteria provided, single submitter. Criteria: Myriad Autosomal Dominant, Autosomal Recessive and X-Linked Classification Criteria (2023). Collection method: clinical testing. Allele origin: unknown.
Comment: NM_001673.4(ASNS):c.838C>T(Q280*) is expected to be pathogenic in the context of asparagine synthetase deficiency. This variant is predicted to lead to an abnormal or absent protein product due to the creation of a premature termination codon in ASNS, a gene where loss-of-function variants are known to be pathogenic. Please note: this variant was assessed in the context of healthy population screening.

Natera, Inc.
Classification: Likely pathogenic for Asparagine synthetase deficiency. Last evaluated: 2024-12-12. Review status: criteria provided, single submitter. Criteria: Natera Variant Classification Schema (03/2026). Collection method: clinical testing. Allele origin: germline.
Comment: The c.838C>T variant in ASNS is a nonsense variant predicted to introduce a stop codon at amino acid 280. This variant is expected to result in nonsense mediated decay, truncation, or a dysfunctional protein product. This variant is rare in the general population with a frequency below the threshold expected for the associated phenotype(s). Given the available evidence, this variant is classified as Likely Pathogenic.

NM_001673.5(ASNS):c.838C>T (p.Gln280Ter)

Genes: ASNS (asparagine synthetase (glutamine-hydrolyzing); minus strand), CZ1P-ASNS (CZ1P-ASNS readthrough; minus strand). Cytogenetic location: 7q21.3.
Variant type: single nucleotide variant.
Coding change: c.838C>T on transcript NM_001673.5 (MANE Select); coding-DNA position 838, C replaced by T.
Protein change: p.Gln280Ter; replaces glutamine 280 with a stop codon.
Molecular consequence: nonsense. On other transcripts: non-coding transcript variant (1).
Genome position (GRCh38, 1-based): chr7:97,858,343, G>A on the plus strand (C>T on the coding strand, the complement: ASNS is on the minus strand). VCF-style: chr7-97858343-G-A. GRCh37 (hg19) VCF-style: chr7-97487655-G-A.
Other names: c.775C>T, p.Gln259Ter (NM_001178075.2); c.589C>T, p.Gln197Ter (NM_001178076.2, NM_001178077.1); c.838C>T, p.Gln280Ter (NM_001352496.2, NM_133436.3, NM_183356.4); short protein forms Q197*, Q259*, Q280*.
Identifiers: ClinVar variation 4816511 (VCV004816511.2).
Genomic context (GRCh38, chr7:97,858,343, plus strand): 5'-TAGCAGCCAGTAAATCGGGGCTGTCTTCCATGCCAATTGCAAATGTCTGGAGAGGATACT[G>A]TACTTGGGCTTCTTTCAGCTGCTTCAACAGAGTGGCAGCAACCAAGCTGGAGTCCAAGCC-3'